The following is an entry in ClinVar:

ClinVar aggregate classification (germline): Pathogenic/Likely pathogenic. Review status: criteria provided, multiple submitters, no conflicts (2 of 4 stars). 4 submissions from 4 submitters: Pathogenic (2); Likely pathogenic (1). 1 of the submissions does not count toward it. Last evaluated 2023-10-27.

Conditions:
Elevated circulating creatine kinase activity. Also called: Elevated serum creatine phosphokinase; Elevated creatine kinase; Elevated circulating creatine kinase concentration. Identifiers: MedGen C0241005, HP:0003236.
Abnormality of the musculature. Identifiers: MedGen C4021745, HP:0003011.
Autosomal recessive limb-girdle muscular dystrophy type 2G (LGMDR7). Also called: MUSCULAR DYSTROPHY, LIMB-GIRDLE, AUTOSOMAL RECESSIVE 7; Telethoninopathy; Limb-girdle muscular dystrophy, type 2G. Identifiers: Orphanet 34514, MedGen C1866008, MONDO:0011170, OMIM 601954.

Submissions (4):

Institute of Human Genetics, Heidelberg University
Classification: Pathogenic for Autosomal recessive limb-girdle muscular dystrophy type 2G. Last evaluated: 2023-10-27. Review status: criteria provided, single submitter. Criteria: ACMG Guidelines, 2015. Collection method: clinical testing. Allele origin: germline. Affected: yes.

Kariminejad - Najmabadi Pathology & Genetics Center
Classification: Likely pathogenic for Abnormality of the musculature. Last evaluated: 2021-07-10. Review status: criteria provided, single submitter. Criteria: ACMG Guidelines, 2015. Collection method: clinical testing. Allele origin: germline. Affected: yes.

Neuberg Centre For Genomic Medicine, NCGM
Classification: Pathogenic for Autosomal recessive limb-girdle muscular dystrophy type 2G. Review status: criteria provided, single submitter. Criteria: ACMG Guidelines, 2015. Collection method: clinical testing. Allele origin: germline. Inheritance: Autosomal recessive inheritance. Affected: yes.
Comment: The observed frameshift variant c.90_91del (p.Ser31HisfsTer11) in TCAP gene has been reported previously in homozygous state in an individual affected with TCAP-associated limb-girdle muscular dystrophy (Brusa et al. 2018). Immunostaining and Western blot analysis showed complete absence of telethonin (TCAP) protein in the affected individual (Brusa et al. 2018). This variant has been reported to have a possible founder effect in the Mediterranean area (Brusa et al. 2018). The p.Ser31HisfsTer11 variant is absent in gnomAD Exomes database. This variant has been submitted to the ClinVar database as Pathogenic / Likely Pathogenic, but no details are available for independent assessment. This variant causes a frameshift starting with codon Serine 31, changes this amino acid to Histidine residue, and creates a premature Stop codon at position 11 of the new reading frame, denoted p.Ser31HisfsTer11. This variant is predicted to cause loss of normal protein function through protein truncation. Loss of function variants in TCAP gene have been previously reported to be disease causing. For these reasons, this variant has been classified as Pathogenic.

Institute of Human Genetics, University of Wuerzburg
Classification: Pathogenic for Elevated circulating creatine kinase activity. Review status: no assertion criteria provided. Collection method: clinical testing. Allele origin: unknown. Not counted in ClinVar's aggregate classification.

NM_003673.4(TCAP):c.90_91del (p.Ser31fs)

Gene: TCAP (titin-cap; plus strand). Cytogenetic location: 17q12.
Variant type: Deletion.
Coding change: c.90_91del on transcript NM_003673.4 (MANE Select); coding-DNA positions 90 to 91, 2 bases deleted (GT; older notation c.90_91delGT).
Protein change: p.Ser31fs; shifts the reading frame from serine 31.
Molecular consequence: frameshift variant.
Genome position (GRCh38, 1-based): chr17:39,665,449-39,665,450, GT deleted; deleting any 2 consecutive bases within chr17:39,665,448-39,665,450 gives the same sequence; the c. name uses the placement nearest the transcript's 3' end. VCF-style (leftmost placement, unchanged base first): chr17-39665447-CTG-C. GRCh37 (hg19) VCF-style: chr17-37821700-CTG-C.
Other names: c.90_91delGT (NM_003673.4); short protein forms S31fs.
Identifiers: ClinVar variation 446463 (VCV000446463.25), dbSNP rs1555606976, ClinGen allele CA658656575.